The following is an entry in ClinVar:

ClinVar aggregate classification (germline): Benign/Likely benign. Review status: criteria provided, multiple submitters, no conflicts (2 of 4 stars). 3 submissions from 3 submitters: Benign (1); Likely benign (2). Last evaluated 2024-02-12.

Conditions:
Exostoses, multiple, type 2 (EXT2). Also called: Hereditary Multiple Osteochondromatosis, Type II; EXOSTOSES, MULTIPLE, TYPE II. Identifiers: Orphanet 321, MedGen C1851413, MONDO:0007586, OMIM 133701.

Allele frequency attached by ClinVar (database versions not stated): TOPMed 0.00002; gnomAD exomes 0.00027; ExAC 0.00030; 1000 Genomes Project 30x 0.00047; 1000 Genomes Project 0.00060; gnomAD 0.00011.
gnomAD v4.1: 216 of 1,614,092 alleles (0.013%); highest among the groups gnomAD compares: South Asian, 0.22%; 1 homozygote.

Submissions (3):

Labcorp Genetics (formerly Invitae), Labcorp
Classification: Benign for Exostoses, multiple, type 2. Last evaluated: 2024-02-12. Review status: criteria provided, single submitter. Criteria: Invitae Variant Classification Sherloc (09022015). Collection method: clinical testing. Allele origin: germline.

Blueprint Genetics
Classification: Likely benign. Last evaluated: 2023-12-19. Review status: criteria provided, single submitter. Criteria: ACMG Guidelines, 2015. Collection method: clinical testing. Allele origin: germline.

CeGaT Center for Human Genetics Tuebingen
Classification: Likely benign. Last evaluated: 2023-06-01. Review status: criteria provided, single submitter. Criteria: CeGaT Center For Human Genetics Tuebingen Variant Classification Criteria Version 2. Collection method: clinical testing. Allele origin: germline. Affected: yes. Observed: 1 variant allele.
Comment: EXT2: BP4, BP7

NM_207122.2(EXT2):c.1425A>G (p.Glu475=)

Genes: EXT2 (exostosin glycosyltransferase 2; plus strand), LOC126861201 (MED14-independent group 3 enhancer GRCh37_chr11:44218806-44220005; plus strand). Cytogenetic location: 11p11.2.
Variant type: single nucleotide variant.
Coding change: c.1425A>G on transcript NM_207122.2 (MANE Select); coding-DNA position 1425, A replaced by G.
Protein change: p.Glu475=; no amino-acid change (glutamic acid 475 retained).
Molecular consequence: synonymous variant.
Genome position (GRCh38, 1-based): chr11:44,197,948, A>G. VCF-style: chr11-44197948-A-G. GRCh37 (hg19) VCF-style: chr11-44219498-A-G.
Other names: c.1524A>G, p.Glu508= (NM_000401.3); c.1455A>G, p.Glu485= (NM_001178083.3); c.1425A>G, p.Glu475= (NM_001389628.1, NM_001389630.1).
Identifiers: ClinVar variation 1625970 (VCV001625970.33), dbSNP rs533065326, ClinGen allele CA5955260.